The following is an entry in ClinVar:

NM_177438.3(DICER1):c.1379T>C (p.Leu460Ser)

Gene: DICER1 (dicer 1, ribonuclease III; minus strand). Cytogenetic location: 14q32.13.
Variant type: single nucleotide variant.
Coding change: c.1379T>C on transcript NM_177438.3 (MANE Select); coding-DNA position 1379, T replaced by C.
Protein change: p.Leu460Ser; replaces leucine 460 with serine.
Molecular consequence: missense variant.
Genome position (GRCh38, 1-based): chr14:95,117,752, A>G on the plus strand (T>C on the coding strand, the complement: DICER1 is on the minus strand). VCF-style: chr14-95117752-A-G. GRCh37 (hg19) VCF-style: chr14-95584089-A-G.
Other names: c.1379T>C, p.Leu460Ser (NM_001195573.1, NM_001271282.3, NM_001291628.2 and 1 more transcripts); short protein forms L460S.
Identifiers: ClinVar variation 1428931 (VCV001428931.9), dbSNP rs2140138925, ClinGen allele CA390885701.

ClinVar aggregate classification (germline): Uncertain significance (1 of 4 stars; one submission).

Conditions:
DICER1-related tumor predisposition. Also called: DICER1-related pleuropulmonary blastoma cancer predisposition syndrome; DICER1 syndrome. Identifiers: Orphanet 284343, MedGen C3839822, MONDO:0100216.

Submission:

Labcorp Genetics (formerly Invitae), Labcorp
Classification: Uncertain significance for DICER1-related tumor predisposition. Last evaluated: 2024-06-17. Review status: criteria provided, single submitter. Criteria: Invitae Variant Classification Sherloc (09022015). Collection method: clinical testing. Allele origin: germline.
Comment: This sequence change replaces leucine, which is neutral and non-polar, with serine, which is neutral and polar, at codon 460 of the DICER1 protein (p.Leu460Ser). This variant is not present in population databases (gnomAD no frequency). This variant has not been reported in the literature in individuals affected with DICER1-related conditions. ClinVar contains an entry for this variant (Variation ID: 1428931). An algorithm developed to predict the effect of missense changes on protein structure and function (PolyPhen-2) suggests that this variant is likely to be disruptive. In summary, the available evidence is currently insufficient to determine the role of this variant in disease. Therefore, it has been classified as a Variant of Uncertain Significance.